The following is an entry in ClinVar:

NM_198129.4(LAMA3):c.689T>C (p.Val230Ala)

Gene: LAMA3 (laminin subunit alpha 3; plus strand). Cytogenetic location: 18q11.2.
Variant type: single nucleotide variant.
Coding change: c.689T>C on transcript NM_198129.4 (MANE Select); coding-DNA position 689, T replaced by C.
Protein change: p.Val230Ala; replaces valine 230 with alanine.
Molecular consequence: missense variant. On other transcripts: non-coding transcript variant (1).
Genome position (GRCh38, 1-based): chr18:23,750,922, T>C. VCF-style: chr18-23750922-T-C. GRCh37 (hg19) VCF-style: chr18-21330886-T-C.
Other names: c.689T>C, p.Val230Ala (NM_001127717.4, NM_001302996.2); short protein forms V230A.
Identifiers: ClinVar variation 4980535 (VCV004980535.1).

ClinVar aggregate classification (germline): Likely benign (1 of 4 stars; one submission).

Conditions:
LAMA3-related disorder. Also called: LAMA3-related disorders; LAMA3-related condition.

gnomAD v4.1: 226 of 1,614,180 alleles (0.014%); highest among the groups gnomAD compares: South Asian, 0.19%; 2 homozygotes.

Submission:

PreventionGenetics, part of Exact Sciences
Classification: Likely benign for LAMA3-related condition. Last evaluated: 2026-01-05. Review status: criteria provided, single submitter. Criteria: ACMG Guidelines, 2015. Collection method: clinical testing. Allele origin: germline.
Comment: This variant is classified as likely benign based on ACMG/AMP sequence variant interpretation guidelines (Richards et al. 2015 PMID: 25741868, with internal and published modifications).